The following is an entry in ClinVar:

ClinVar aggregate classification (germline): Uncertain significance (1 of 4 stars; one submission).

Conditions:
HIVEP3-related disorder. Also called: HIVEP3-related condition.

Allele frequency attached by ClinVar (database versions not stated): gnomAD 0.00001; TOPMed 0.00002.
gnomAD v4.1: 12 of 1,613,598 alleles (0.00074%); highest among the groups gnomAD compares: Non-Finnish European, 0.001%; no homozygotes.

Submission:

PreventionGenetics, part of Exact Sciences
Classification: Uncertain significance for HIVEP3-related condition. Last evaluated: 2022-10-05. Review status: criteria provided, single submitter. Criteria: ACMG Guidelines, 2015. Collection method: clinical testing. Allele origin: germline.
Comment: The HIVEP3 c.5224G>A variant is predicted to result in the amino acid substitution p.Glu1742Lys. To our knowledge, this variant has not been reported in the literature or in a large population database, indicating this variant is rare. At this time, the clinical significance of this variant is uncertain due to the absence of conclusive functional and genetic evidence.

NM_024503.5(HIVEP3):c.5224G>A (p.Glu1742Lys)

Gene: HIVEP3 (HIVEP zinc finger 3; minus strand). Cytogenetic location: 1p34.2.
Variant type: single nucleotide variant.
Coding change: c.5224G>A on transcript NM_024503.5 (MANE Select); coding-DNA position 5224, G replaced by A.
Protein change: p.Glu1742Lys; replaces glutamic acid 1742 with lysine.
Molecular consequence: missense variant.
Genome position (GRCh38, 1-based): chr1:41,524,894, C>T on the plus strand (G>A on the coding strand, the complement: HIVEP3 is on the minus strand). VCF-style: chr1-41524894-C-T. GRCh37 (hg19) VCF-style: chr1-41990565-C-T.
Other names: c.5224G>A, p.Glu1742Lys (NM_001127714.3); short protein forms E1742K.
Identifiers: ClinVar variation 2637343 (VCV002637343.1), dbSNP rs1291998192, ClinGen allele CA339920937.